The following is an entry in ClinVar:

NM_002439.5(MSH3):c.3200G>A (p.Ser1067Asn)

Gene: MSH3 (mutS homolog 3; plus strand). Cytogenetic location: 5q14.1.
Variant type: single nucleotide variant.
Coding change: c.3200G>A on transcript NM_002439.5 (MANE Select); coding-DNA position 3200, G replaced by A.
Protein change: p.Ser1067Asn; replaces serine 1067 with asparagine.
Molecular consequence: missense variant.
Genome position (GRCh38, 1-based): chr5:80,873,185, G>A. VCF-style: chr5-80873185-G-A. GRCh37 (hg19) VCF-style: chr5-80169004-G-A.
Other names: c.3200G>A (NM_002439.3, NM_002439.4); short protein forms S1067N.
Identifiers: ClinVar variation 3727047 (VCV003727047.4).

ClinVar aggregate classification (germline): Uncertain significance. Review status: criteria provided, multiple submitters, no conflicts (2 of 4 stars). 3 submissions from 3 submitters: Uncertain significance (3). Last evaluated 2025-12-03.

Conditions:
Hereditary cancer-predisposing syndrome. Also called: Hereditary Cancer Syndrome; Hereditary neoplastic syndrome; Neoplastic Syndromes, Hereditary; Tumor predisposition. Identifiers: Orphanet 140162, MedGen C0027672, MeSH D009386, MONDO:0015356.

Submissions (3):

Labcorp Genetics (formerly Invitae), Labcorp
Classification: Uncertain significance. Last evaluated: 2025-12-03. Review status: criteria provided, single submitter. Criteria: Invitae Variant Classification Sherloc (09022015). Collection method: clinical testing. Allele origin: germline.
Comment: This sequence change replaces serine, which is neutral and polar, with asparagine, which is neutral and polar, at codon 1067 of the MSH3 protein (p.Ser1067Asn). This variant is not present in population databases (gnomAD no frequency). This variant has not been reported in the literature in individuals affected with MSH3-related conditions. ClinVar contains an entry for this variant (Variation ID: 3727047). An algorithm developed to predict the effect of missense changes on protein structure and function (PolyPhen-2) suggests that this variant is likely to be disruptive. In summary, the available evidence is currently insufficient to determine the role of this variant in disease. Therefore, it has been classified as a Variant of Uncertain Significance.

GeneDx
Classification: Uncertain significance. Last evaluated: 2025-05-22. Review status: criteria provided, single submitter. Criteria: GeneDx Variant Classification Process June 2021. Collection method: clinical testing. Allele origin: germline. Affected: yes.
Comment: Not observed at significant frequency in large population cohorts (gnomAD); In silico analysis supports that this missense variant has a deleterious effect on protein structure/function; Has not been previously published as pathogenic or benign to our knowledge

Ambry Genetics
Classification: Uncertain significance for Hereditary cancer-predisposing syndrome. Last evaluated: 2025-04-22. Review status: criteria provided, single submitter. Criteria: Ambry Variant Classification Scheme 2023. Collection method: clinical testing. Allele origin: germline.
Comment: The p.S1067N variant (also known as c.3200G>A), located in coding exon 23 of the MSH3 gene, results from a G to A substitution at nucleotide position 3200. The serine at codon 1067 is replaced by asparagine, an amino acid with highly similar properties. This amino acid position is highly conserved in available vertebrate species. In addition, the in silico prediction for this alteration is inconclusive. Based on the available evidence, the clinical significance of this variant remains unclear.